The following is an entry in ClinVar:

NM_001023570.4(IQCB1):c.1499A>G (p.Glu500Gly)

Gene: IQCB1 (IQ motif containing B1; minus strand). Cytogenetic location: 3q13.33.
Variant type: single nucleotide variant.
Coding change: c.1499A>G on transcript NM_001023570.4 (MANE Select); coding-DNA position 1499, A replaced by G.
Protein change: p.Glu500Gly; replaces glutamic acid 500 with glycine.
Molecular consequence: missense variant. On other transcripts: non-coding transcript variant (1).
Genome position (GRCh38, 1-based): chr3:121,772,625, T>C on the plus strand (A>G on the coding strand, the complement: IQCB1 is on the minus strand). VCF-style: chr3-121772625-T-C. GRCh37 (hg19) VCF-style: chr3-121491472-T-C.
Other names: c.1100A>G, p.Glu367Gly (NM_001023571.4); c.1499A>G, p.Glu500Gly (NM_001319107.2); short protein forms E500G, E367G.
Identifiers: ClinVar variation 2111084 (VCV002111084.4), dbSNP rs2547582129, ClinGen allele CA354110043.

ClinVar aggregate classification (germline): Uncertain significance (1 of 4 stars; one submission).

Conditions:
Nephronophthisis. Also called: Juvenile Nephronophthisis. Identifiers: Orphanet 655, MedGen C0687120, MONDO:0019005, HP:0000090.

Submission:

Labcorp Genetics (formerly Invitae), Labcorp
Classification: Uncertain significance for Nephronophthisis. Last evaluated: 2022-03-13. Review status: criteria provided, single submitter. Criteria: Invitae Variant Classification Sherloc (09022015). Collection method: clinical testing. Allele origin: germline.
Comment: In summary, the available evidence is currently insufficient to determine the role of this variant in disease. Therefore, it has been classified as a Variant of Uncertain Significance. Algorithms developed to predict the effect of missense changes on protein structure and function are either unavailable or do not agree on the potential impact of this missense change (SIFT: "Deleterious"; PolyPhen-2: "Probably Damaging"; Align-GVGD: "Class C0"). This variant has not been reported in the literature in individuals affected with IQCB1-related conditions. This variant is not present in population databases (gnomAD no frequency). This sequence change replaces glutamic acid, which is acidic and polar, with glycine, which is neutral and non-polar, at codon 500 of the IQCB1 protein (p.Glu500Gly).